The following is an entry in ClinVar:

ClinVar aggregate classification (germline): Pathogenic/Likely pathogenic. Review status: criteria provided, multiple submitters, no conflicts (2 of 4 stars). 18 submissions from 17 submitters: Pathogenic (15); Likely pathogenic (1). 2 of the submissions do not count toward it. Last evaluated 2026-03-01.

Conditions:
GPR179-related disorders.
GPR179-related disorder. Also called: GPR179-related condition.
Retinal dystrophy. Also called: Inherited retinal dystrophy. Identifiers: Orphanet 71862, MedGen C0854723, MeSH D058499, MONDO:0019118, HP:0000556.
Congenital stationary night blindness 1E. Also called: Night blindness, congenital stationary (complete), 1E, autosomal recessive. Identifiers: Orphanet 215, MedGen C3281215, MONDO:0013807, OMIM 614565.
Congenital stationary night blindness. Also called: Early-onset non-progressive night blindness. Identifiers: Orphanet 215, MedGen C0339535, MONDO:0016293, HP:0007642.
Optic atrophy. Identifiers: MedGen C0029124, MONDO:0003608, HP:0000648.

Submissions (18):

CeGaT Center for Human Genetics Tuebingen
Classification: Pathogenic. Last evaluated: 2026-03-01. Review status: criteria provided, single submitter. Criteria: CeGaT Center For Human Genetics Tuebingen Variant Classification Criteria Version 2. Collection method: clinical testing. Allele origin: germline. Affected: yes. Observed: 3 variant alleles.
Comment: GPR179: PM3:Very Strong, PVS1, PM2

Labcorp Genetics (formerly Invitae), Labcorp
Classification: Pathogenic. Last evaluated: 2025-12-01. Review status: criteria provided, single submitter. Criteria: Invitae Variant Classification Sherloc (09022015). Collection method: clinical testing. Allele origin: germline.
Comment: This sequence change creates a premature translational stop signal (p.Ser329Leufs*4) in the GPR179 gene. It is expected to result in an absent or disrupted protein product. Loss-of-function variants in GPR179 are known to be pathogenic (PMID: 22325361, 22325362). This variant is present in population databases (rs770066665, gnomAD 0.3%), including at least one homozygous and/or hemizygous individual. This premature translational stop signal has been observed in individual(s) with congenital stationary night blindness (PMID: 22325361). ClinVar contains an entry for this variant (Variation ID: 31204). For these reasons, this variant has been classified as Pathogenic.

3billion
Classification: Pathogenic for Congenital stationary night blindness 1E. Last evaluated: 2025-09-30. Review status: criteria provided, single submitter. Criteria: ACMG Guidelines, 2015. Collection method: clinical testing. Allele origin: germline. Affected: yes.
Comment: The variant is observed at an extremely low frequency in the gnomAD v4.1.0 dataset (total allele frequency: 0.035%). Predicted Consequence/Location: Frameshift: predicted to result in a loss or disruption of normal protein function through nonsense-mediated decay (NMD) or protein truncation. Multiple pathogenic variants are reported downstream of the variant. The variant has been reported at least twice as pathogenic with clinical assertions and evidence for the classification (ClinVar ID: VCV000031204 /PMID: 22325361 /3billion dataset). Therefore, this variant is classified as Pathogenic according to the recommendation of ACMG/AMP guideline.

GeneDx
Classification: Pathogenic. Last evaluated: 2025-09-23. Review status: criteria provided, single submitter. Criteria: GeneDx Variant Classification Process June 2021. Collection method: clinical testing. Allele origin: germline. Affected: yes.
Comment: Reported previously in the homozygous state and in the compound heterozygous state with another GPR179 variant, in association with congenital stationary night blindness (PMID: 22325362, 22325361, 28041643); Frameshift variant predicted to result in protein truncation or nonsense mediated decay in a gene for which loss of function is a known mechanism of disease; This variant is associated with the following publications: (PMID: 30609409, 32531858, 30487145, 22325361, 28041643, 31980526, 32581362, 31589614, 31964843, 36460718, 37734845, 38219857, 38927562, 22325362)

Institute of Human Genetics Munich, TUM University Hospital
Classification: Pathogenic for Congenital stationary night blindness 1E. Last evaluated: 2025-07-29. Review status: criteria provided, single submitter. Criteria: Classification criteria August 2017. Collection method: clinical testing. Allele origin: germline. Inheritance: Autosomal recessive inheritance. Affected: yes. Observed: 1 variant allele.

Laboratory of Genetics, Children's Clinical University Hospital Latvia
Classification: Likely pathogenic. Last evaluated: 2025-02-16. Review status: criteria provided, single submitter. Criteria: ACMG Guidelines, 2015. Collection method: clinical testing. Allele origin: germline. Affected: yes.

PreventionGenetics, part of Exact Sciences
Classification: Pathogenic for GPR179-related condition. Last evaluated: 2024-12-16. Review status: criteria provided, single submitter. Criteria: ACMG Guidelines, 2015. Collection method: clinical testing. Allele origin: germline.
Comment: The GPR179 c.984delC variant is predicted to result in a frameshift and premature protein termination (p.Ser329Leufs*4). This variant has been reported in the compound heterozygous state in multiple unrelated individuals with complete congenital stationary night blindness, high myopia, strabismus, and/or micronystagmus (see for examples: Audo et al. 2012. PubMed ID: 22325361; Peachey et al. 2012. PubMed ID: 22325362; Table S1, Lin et al. 2024. PubMed ID: 38219857). This variant is reported in 0.33% of alleles in individuals of Ashkenazi Jewish descent in gnomAD, indicating it is relatively common in this population. Frameshift variants in GPR179 are an established mechanism of disease. Given the evidence, we interpret this variant as pathogenic.

Blueprint Genetics
Classification: Pathogenic for GPR179-related disorders. Last evaluated: 2024-11-26. Review status: criteria provided, single submitter. Criteria: ACMG Guidelines, 2015. Collection method: clinical testing. Allele origin: germline. Affected: yes. Observed: 5 variant alleles.

Revvity Omics, Revvity
Classification: Pathogenic for Congenital stationary night blindness 1E. Last evaluated: 2024-09-19. Review status: criteria provided, single submitter. Criteria: ACMG Guidelines, 2015. Collection method: clinical testing. Allele origin: germline.

Institute of Human Genetics, University of Leipzig Medical Center
Classification: Pathogenic for Congenital stationary night blindness 1E. Last evaluated: 2023-07-26. Review status: criteria provided, single submitter. Criteria: ACMG Guidelines, 2015. Collection method: clinical testing. Allele origin: paternal. Inheritance: Autosomal recessive inheritance. Affected: yes.
Comment: Criteria applied: PVS1,PS4_MOD,PM2_SUP

Department of Pathology and Laboratory Medicine, Sinai Health System
Classification: Pathogenic for Congenital stationary night blindness 1E. Last evaluated: 2023-05-23. Review status: criteria provided, single submitter. Criteria: ACMG Guidelines, 2015. Collection method: research. Allele origin: germline.

Institute of Human Genetics, Univ. Regensburg, Univ. Regensburg
Classification: Pathogenic for Optic atrophy. Last evaluated: 2022-01-01. Review status: criteria provided, single submitter. Criteria: ACMG Guidelines, 2015. Collection method: clinical testing. Allele origin: germline. Affected: yes.

Institute of Human Genetics, Univ. Regensburg, Univ. Regensburg
Classification: Pathogenic for Retinal dystrophy. Last evaluated: 2022-01-01. Review status: criteria provided, single submitter. Criteria: ACMG Guidelines, 2015. Collection method: clinical testing. Allele origin: germline. Affected: yes.

Institute of Medical Genetics and Applied Genomics, University Hospital Tübingen
Classification: Pathogenic. Last evaluated: 2021-06-17. Review status: criteria provided, single submitter. Criteria: ACMG Guidelines, 2015. Collection method: clinical testing. Allele origin: germline. Inheritance: Autosomal recessive inheritance. Affected: yes.

Victorian Clinical Genetics Services, Murdoch Childrens Research Institute
Classification: Pathogenic for Congenital stationary night blindness 1E. Last evaluated: 2021-05-06. Review status: criteria provided, single submitter. Criteria: ACMG Guidelines, 2015. Collection method: clinical testing. Allele origin: germline. Inheritance: Autosomal recessive inheritance. Affected: yes.
Comment: Based on the classification scheme VCGS_Germline_v1.3.4, this variant is classified as Pathogenic. Following criteria are met: 0102 - Loss of function is a known mechanism of disease in this gene and is associated with autosomal recessive complete congenital stationary night blindness, type 1E (MIM#614565). (I) 0106 - This gene is associated with autosomal recessive disease. (I) 0201 - Variant is predicted to cause nonsense-mediated decay (NMD) and loss of protein (premature termination codon is located at least 54 nucleotides upstream of the final exon-exon junction). (SP) 0252 - This variant is homozygous. (I) 0304 - Variant is present in gnomAD (v2) <0.01 for a recessive condition (150 heterozygotes, 1 homozygote). (SP) 0701 - Other NMD-predicted variants comparable to the one identified in this case have very strong previous evidence for pathogenicity. Many other loss of function variants have previously been classified as pathogenic in individuals with night blindness (ClinVar, DECIPHER). (SP) 0801 - This variant has strong previous evidence of pathogenicity in unrelated individuals. The variant has previously been reported as in multiple individuals with autosomal recessive complete congenital stationary night blindness (ClinVar, PMID: 22325361, PMID: 22325362). (SP) 1208 - Inheritance information for this variant is not currently available in this individual. (I) Legend: (SP) - Supporting pathogenic, (I) - Information, (SB) - Supporting benign

Laboratory for Molecular Medicine, Mass General Brigham Personalized Medicine
Classification: Pathogenic for Congenital stationary night blindness. Last evaluated: 2016-11-10. Review status: criteria provided, single submitter. Criteria: LMM Criteria. Collection method: clinical testing. Allele origin: germline. Inheritance: Autosomal recessive inheritance. Observed: 1 variant allele.
Comment: The p.Ser329LeufsX4 variant in GPR179 has been reported three individuals with c omplete congenital stationary night blindness in the compound heterozygous state (Audo 2012, Peachey 2012). This variant has also been identified in 61/120,604 of chromosomes by the Exome Aggregation Consortium (ExAC; dbSNP rs770066665). This p.Ser329LeufsX4 variant is predicted to cause a frameshift, which alters the protein?s amino acid sequence beginning at posit ion 329 and leads to a premature termination codon 4 amino acids downstream. Thi s alteration is then predicted to lead to a truncated or absent protein. In summ ary, this variant meets criteria to be classified as pathogenic for congenital s tationary night blindness in an autosomal recessive manner based upon case obser vations, low frequency in controls, and a predicted null effect on protein funct ion.

NIHR Bioresource Rare Diseases, University of Cambridge
Classification: Pathogenic for Congenital stationary night blindness. Last evaluated: 2015-01-01. Review status: no assertion criteria provided. Collection method: research. Allele origin: unknown. Affected: yes. Observed: 1 variant allele. Not counted in ClinVar's aggregate classification.

OMIM
Classification: Pathogenic for NIGHT BLINDNESS, CONGENITAL STATIONARY, TYPE 1E. Last evaluated: 2012-02-10. Review status: no assertion criteria provided. Collection method: literature only. Allele origin: germline. Not counted in ClinVar's aggregate classification.

Literature cited by the submitters: PubMed 22325361 (cited by 6 submitters); PubMed 22325362 (cited by 4 submitters); PubMed 30487145 (cited by Institute of Human Genetics, Univ. Regensburg, Univ. Regensburg); PubMed 31589614 (cited by Institute of Human Genetics, Univ. Regensburg, Univ. Regensburg); PubMed 30609409 (cited by Institute of Human Genetics, Univ. Regensburg, Univ. Regensburg); PubMed 31964843 (cited by Institute of Human Genetics, Univ. Regensburg, Univ. Regensburg); PubMed 31980526 (cited by Institute of Human Genetics, Univ. Regensburg, Univ. Regensburg); PubMed 32581362 (cited by Institute of Human Genetics, Univ. Regensburg, Univ. Regensburg); PubMed 32531858 (cited by Institute of Human Genetics, Univ. Regensburg, Univ. Regensburg); PubMed 36460718 (cited by Institute of Human Genetics, Univ. Regensburg, Univ. Regensburg); PubMed 28041643 (cited by NIHR Bioresource Rare Diseases, University of Cambridge).

NM_001004334.4(GPR179):c.984del (p.Ser329fs)

Gene: GPR179 (G protein-coupled receptor 179; minus strand). Cytogenetic location: 17q12.
Variant type: Deletion.
Coding change: c.984del on transcript NM_001004334.4 (MANE Select); coding-DNA position 984, one base deleted (C; older notation c.984delC).
Protein change: p.Ser329fs; shifts the reading frame from serine 329.
Molecular consequence: frameshift variant.
Genome position (GRCh38, 1-based): chr17:38,337,640, G deleted on the plus strand (C on the coding strand, the reverse complement: GPR179 is on the minus strand); the first of 4 consecutive G bases (chr17:38,337,640-38,337,643); deleting any one gives the same sequence. VCF-style (leftmost placement, unchanged base first): chr17-38337639-AG-A. GRCh37 (hg19) VCF-style: chr17-36493522-AG-A.
Other names: c.984delC (NM_001004334.3); short protein forms S329fs.
Identifiers: ClinVar variation 31204 (VCV000031204.41), dbSNP rs770066665, ClinGen allele CA129753.